The following is an entry in ClinVar:

NM_001365536.1(SCN9A):c.2074A>G (p.Arg692Gly)

Genes: SCN1A-AS1 (SCN1A and SCN9A antisense RNA 1; plus strand), SCN9A (sodium voltage-gated channel alpha subunit 9; minus strand). Cytogenetic location: 2q24.3.
Variant type: single nucleotide variant.
Coding change: c.2074A>G on transcript NM_001365536.1 (MANE Select); coding-DNA position 2074, A replaced by G.
Protein change: p.Arg692Gly; replaces arginine 692 with glycine.
Molecular consequence: missense variant.
Genome position (GRCh38, 1-based): chr2:166,281,709, T>C on the plus strand (A>G on the coding strand, the complement: SCN9A is on the minus strand). VCF-style: chr2-166281709-T-C. GRCh37 (hg19) VCF-style: chr2-167138219-T-C.
Other names: c.2041A>G, p.Arg681Gly (NM_002977.4); short protein forms R681G, R692G.
Identifiers: ClinVar variation 1433019 (VCV001433019.8), dbSNP rs1553489152, ClinGen allele CA349080974.
Genomic context (GRCh38, chr2:166,281,709, plus strand): 5'-TCTGTACAGTAAAAGAAGATTATTACATACCTTCCACAGTGTTTGTTAATATGCTTGCTC[T>C]ACTCATTGCTCTCTGTCTGAGGTTGGGATCATTCAGCATATCCTCTGAAAGGAGATAGGA-3'
Protein context (NP_001352465.1, residues 682-702): DPNLRQRAMS[Arg692Gly]ASILTNTVEE

ClinVar aggregate classification (germline): Uncertain significance (1 of 4 stars; one submission).

Conditions:
Generalized epilepsy with febrile seizures plus, type 7 (GEFSP7). Also called: GEFS+, TYPE 7. Identifiers: Orphanet 36387, MedGen C2751778, MONDO:0013470, OMIM 613863.
Neuropathy, hereditary sensory and autonomic, type 2A (HSAN2A). Also called: HSAN IIA; ACROOSTEOLYSIS, GIACCAI TYPE; ACROOSTEOLYSIS, NEUROGENIC; NEUROPATHY, CONGENITAL SENSORY; NEUROPATHY, HEREDITARY SENSORY RADICULAR, AUTOSOMAL RECESSIVE; NEUROPATHY, HEREDITARY SENSORY, TYPE IIA. Identifiers: Orphanet 970, MedGen C2752089, MONDO:0024309, OMIM 201300.

Submission:

Labcorp Genetics (formerly Invitae), Labcorp
Classification: Uncertain significance for Neuropathy, hereditary sensory and autonomic, type 2A; Generalized epilepsy with febrile seizures plus, type 7. Last evaluated: 2022-03-04. Review status: criteria provided, single submitter. Criteria: Invitae Variant Classification Sherloc (09022015). Collection method: clinical testing. Allele origin: germline.
Comment: This variant has not been reported in the literature in individuals affected with SCN9A-related conditions. In summary, the available evidence is currently insufficient to determine the role of this variant in disease. Therefore, it has been classified as a Variant of Uncertain Significance. Algorithms developed to predict the effect of missense changes on protein structure and function are either unavailable or do not agree on the potential impact of this missense change (SIFT: "Deleterious"; PolyPhen-2: "Benign"; Align-GVGD: "Class C15"). This variant is not present in population databases (gnomAD no frequency). This sequence change replaces arginine, which is basic and polar, with glycine, which is neutral and non-polar, at codon 681 of the SCN9A protein (p.Arg681Gly).